The following is an entry in ClinVar:

NM_001242896.3(DEPDC5):c.4637A>G (p.Tyr1546Cys)

Gene: DEPDC5 (DEP domain containing 5, GATOR1 subcomplex subunit; plus strand). Cytogenetic location: 22q12.3.
Variant type: single nucleotide variant.
Coding change: c.4637A>G on transcript NM_001242896.3 (MANE Select); coding-DNA position 4637, A replaced by G.
Protein change: p.Tyr1546Cys; replaces tyrosine 1546 with cysteine.
Molecular consequence: missense variant. On other transcripts: non-coding transcript variant (5).
Genome position (GRCh38, 1-based): chr22:31,906,322, A>G. VCF-style: chr22-31906322-A-G. GRCh37 (hg19) VCF-style: chr22-32302308-A-G.
Other names: c.4610A>G, p.Tyr1537Cys (NM_001136029.4); c.4337A>G, p.Tyr1446Cys (NM_001242897.2); c.4571A>G, p.Tyr1524Cys (NM_001363852.2, NM_001364320.2); c.4403A>G, p.Tyr1468Cys (NM_001363854.2, NM_001364319.2); c.4637A>G, p.Tyr1546Cys (NM_001364318.2); c.4553A>G, p.Tyr1518Cys (NM_001369901.1, NM_001369902.1); c.4544A>G, p.Tyr1515Cys (NM_001369903.1, NM_014662.6); short protein forms Y1524C, Y1446C, Y1468C, Y1537C, Y1518C, Y1546C, Y1515C.
Identifiers: ClinVar variation 2811368 (VCV002811368.3), dbSNP rs2523599147, ClinGen allele CA411292606.

ClinVar aggregate classification (germline): Uncertain significance (1 of 4 stars; one submission).

Conditions:
Familial focal epilepsy with variable foci (FPEVF). Identifiers: Orphanet 98820, MedGen C1858477, MONDO:0020310.

Allele frequency attached by ClinVar (database versions not stated): gnomAD exomes below 0.00001.
gnomAD v4.1: 1 of 1,614,004 alleles (0.000062%); highest among the groups gnomAD compares: Non-Finnish European, 0.000085%; no homozygotes.

Submission:

Labcorp Genetics (formerly Invitae), Labcorp
Classification: Uncertain significance for Familial focal epilepsy with variable foci. Last evaluated: 2026-01-05. Review status: criteria provided, single submitter. Criteria: Invitae Variant Classification Sherloc (09022015). Collection method: clinical testing. Allele origin: germline.
Comment: This sequence change replaces tyrosine, which is neutral and polar, with cysteine, which is neutral and slightly polar, at codon 1546 of the DEPDC5 protein (p.Tyr1546Cys). This variant is not present in population databases (gnomAD no frequency). This variant has not been reported in the literature in individuals affected with DEPDC5-related conditions. ClinVar contains an entry for this variant (Variation ID: 2811368). Experimental studies and prediction algorithms are not available or were not evaluated, and the functional significance of this variant is currently unknown. In summary, the available evidence is currently insufficient to determine the role of this variant in disease. Therefore, it has been classified as a Variant of Uncertain Significance.